The following is an entry in ClinVar:

ClinVar aggregate classification (germline): Uncertain significance. Review status: criteria provided, multiple submitters, no conflicts (2 of 4 stars). 3 submissions from 3 submitters: Uncertain significance (3). Last evaluated 2025-01-20.

Conditions:
Dyslexia, susceptibility to, 1. Also called: WORD-BLINDNESS, CONGENITAL; READING DISABILITY, SPECIFIC, 1. Identifiers: MedGen C1851967, MONDO:0007487, OMIM 127700.
Primary ciliary dyskinesia 25 (CILD25). Also called: CILIARY DYSKINESIA, PRIMARY, 25, WITH OR WITHOUT SITUS INVERSUS. Identifiers: Orphanet 244, MedGen C3809641, MONDO:0014203, OMIM 615482.
Inborn genetic diseases. Identifiers: MedGen C0950123, MeSH D030342.

Allele frequency attached by ClinVar (database versions not stated): gnomAD exomes 0.00001; TOPMed 0.00001; gnomAD 0.00002.
gnomAD v4.1: 61 of 1,612,746 alleles (0.0038%); highest among the groups gnomAD compares: Non-Finnish European, 0.0052%; no homozygotes.

Submissions (3):

Ambry Genetics
Classification: Uncertain significance for Inborn genetic diseases. Last evaluated: 2025-01-20. Review status: criteria provided, single submitter. Criteria: Ambry Variant Classification Scheme 2023. Collection method: clinical testing. Allele origin: germline.

Labcorp Genetics (formerly Invitae), Labcorp
Classification: Uncertain significance. Last evaluated: 2022-09-01. Review status: criteria provided, single submitter. Criteria: Invitae Variant Classification Sherloc (09022015). Collection method: clinical testing. Allele origin: germline.
Comment: This sequence change replaces methionine, which is neutral and non-polar, with isoleucine, which is neutral and non-polar, at codon 82 of the DNAAF4 protein (p.Met82Ile). This variant is present in population databases (no rsID available, gnomAD 0.003%). This variant has not been reported in the literature in individuals affected with DNAAF4-related conditions. ClinVar contains an entry for this variant (Variation ID: 846505). Algorithms developed to predict the effect of missense changes on protein structure and function (SIFT, PolyPhen-2, Align-GVGD) all suggest that this variant is likely to be tolerated. In summary, the available evidence is currently insufficient to determine the role of this variant in disease. Therefore, it has been classified as a Variant of Uncertain Significance.

Fulgent Genetics
Classification: Uncertain significance for Dyslexia, susceptibility to, 1; Primary ciliary dyskinesia 25. Last evaluated: 2021-09-03. Review status: criteria provided, single submitter. Criteria: ACMG Guidelines, 2015. Collection method: clinical testing. Allele origin: unknown.

NM_130810.4(DNAAF4):c.246G>C (p.Met82Ile)

Genes: DNAAF4 (dynein axonemal assembly factor 4; minus strand), DNAAF4-CCPG1 (DNAAF4-CCPG1 readthrough (NMD candidate); minus strand). Cytogenetic location: 15q21.3.
Variant type: single nucleotide variant.
Coding change: c.246G>C on transcript NM_130810.4 (MANE Select); coding-DNA position 246, G replaced by C.
Protein change: p.Met82Ile; replaces methionine 82 with isoleucine.
Molecular consequence: missense variant. On other transcripts: non-coding transcript variant (1).
Genome position (GRCh38, 1-based): chr15:55,497,737, C>G on the plus strand (G>C on the coding strand, the complement: DNAAF4 is on the minus strand). VCF-style: chr15-55497737-C-G. GRCh37 (hg19) VCF-style: chr15-55789935-C-G.
Other names: c.246G>C, p.Met82Ile (NM_001033559.3, NM_001033560.2); short protein forms M82I.
Identifiers: ClinVar variation 846505 (VCV000846505.9), dbSNP rs1028632064, ClinGen allele CA270799392.